The following is an entry in ClinVar:

NM_001142800.2(EYS):c.1300-1G>A

Gene: EYS (EGF-like photoreceptor maintenance factor; minus strand). Cytogenetic location: 6q12.
Variant type: single nucleotide variant.
Coding change: c.1300-1G>A on transcript NM_001142800.2 (MANE Select); the canonical splice acceptor site of the intron before coding-DNA position 1300, G replaced by A.
Molecular consequence: splice acceptor variant.
Genome position (GRCh38, 1-based): chr6:65,353,618, C>T on the plus strand (G>A on the coding strand, the complement: EYS is on the minus strand). VCF-style: chr6-65353618-C-T. GRCh37 (hg19) VCF-style: chr6-66063511-C-T.
Other names: c.1300-1G>A (NM_001292009.2, NM_001142801.2, NM_198283.2).
Identifiers: ClinVar variation 2098394 (VCV002098394.4), dbSNP rs2533203643, ClinGen allele CA364661961.

ClinVar aggregate classification (germline): Likely pathogenic (1 of 4 stars; one submission).

Submission:

Labcorp Genetics (formerly Invitae), Labcorp
Classification: Likely pathogenic. Last evaluated: 2022-08-05. Review status: criteria provided, single submitter. Criteria: Invitae Variant Classification Sherloc (09022015). Collection method: clinical testing. Allele origin: germline.
Comment: In summary, the currently available evidence indicates that the variant is pathogenic, but additional data are needed to prove that conclusively. Therefore, this variant has been classified as Likely Pathogenic. Algorithms developed to predict the effect of sequence changes on RNA splicing suggest that this variant may disrupt the consensus splice site. Disruption of this splice site has been observed in individual(s) with clinical features of retinitis pigmentosa (PMID: 33058741). This variant is not present in population databases (gnomAD no frequency). This sequence change affects an acceptor splice site in intron 8 of the EYS gene. It is expected to disrupt RNA splicing. Variants that disrupt the donor or acceptor splice site typically lead to a loss of protein function (PMID: 16199547), and loss-of-function variants in EYS are known to be pathogenic (PMID: 18836446, 20333770).

Literature cited by the submitters: PubMed 33058741; PubMed 16199547; PubMed 18836446; PubMed 20333770.